The following is an entry in ClinVar:

ClinVar aggregate classification (germline): Uncertain significance (1 of 4 stars; one submission).

Submission:

GeneDx
Classification: Uncertain significance. Last evaluated: 2025-07-11. Review status: criteria provided, single submitter. Criteria: GeneDx Variant Classification Process June 2021. Collection method: clinical testing. Allele origin: germline.
Comment: Not observed at significant frequency in large population cohorts (gnomAD); In-frame deletion of 4 amino acids in a non-repeat region; In silico analysis suggests that this variant does not alter protein structure/function; Has not been previously published as pathogenic or benign to our knowledge

NM_015176.4(FBXO28):c.44_55del (p.Gly15_Gly18del)

Genes: FBXO28 (F-box protein 28; plus strand), LOC129932579 (ATAC-STARR-seq lymphoblastoid active region 2598; plus strand). Cytogenetic location: 1q42.11.
Variant type: Deletion.
Coding change: c.44_55del on transcript NM_015176.4 (MANE Select); coding-DNA positions 44 to 55, 12 bases deleted (GCGGCCAAGGCG).
Protein change: p.Gly15_Gly18del.
Molecular consequence: inframe deletion. On other transcripts: non-coding transcript variant (1).
Genome position (GRCh38, 1-based): chr1:224,114,173-224,114,184, GCGGCCAAGGCG deleted; deleting any 12 consecutive bases within chr1:224,114,168-224,114,184 gives the same sequence; the c. name uses the placement nearest the transcript's 3' end. VCF-style (leftmost placement, unchanged base first): chr1-224114167-GAGGCGGCGGCCA-G. GRCh37 (hg19) VCF-style: chr1-224301869-GAGGCGGCGGCCA-G.
Other names: c.44_55del, p.Gly15_Gly18del (NM_001136115.3).
Identifiers: ClinVar variation 3368496 (VCV003368496.2).